The following is an entry in ClinVar:

ClinVar aggregate classification (germline): Likely pathogenic (1 of 4 stars; one submission).

Conditions:
Dilated cardiomyopathy 1G (CMD1G). Identifiers: Orphanet 154, MedGen C1858763, MONDO:0011400, OMIM 604145.
Autosomal recessive limb-girdle muscular dystrophy type 2J (LGMDR10). Also called: Limb-girdle muscular dystrophy, type 2J; MUSCULAR DYSTROPHY, LIMB-GIRDLE, AUTOSOMAL RECESSIVE 10. Identifiers: Orphanet 140922, MedGen C1837342, MONDO:0012127, OMIM 608807.

Submission:

Labcorp Genetics (formerly Invitae), Labcorp
Classification: Likely pathogenic for Dilated cardiomyopathy 1G; Autosomal recessive limb-girdle muscular dystrophy type 2J. Last evaluated: 2023-06-28. Review status: criteria provided, single submitter. Criteria: Invitae Variant Classification Sherloc (09022015). Collection method: clinical testing. Allele origin: germline.
Comment: This sequence change creates a premature translational stop signal (p.Val33285Glyfs*15) in the TTN gene. While this is not anticipated to result in nonsense mediated decay, it is expected to create a truncated TTN protein. In summary, the currently available evidence indicates that the variant is pathogenic, but additional data are needed to prove that conclusively. Therefore, this variant has been classified as Likely Pathogenic. This variant is located in the A band of TTN (PMID: 25589632). Truncating variants in this region are significantly overrepresented in patients affected with dilated cardiomyopathy (PMID: 25589632). Truncating variants in this region have also been reported in individuals affected with autosomal recessive centronuclear myopathy (PMID: 23975875). ClinVar contains an entry for this variant (Variation ID: 2115477). This variant has not been reported in the literature in individuals affected with TTN-related conditions. This variant is not present in population databases (gnomAD no frequency).

Literature cited by the submitters: PubMed 25589632; PubMed 23975875.

NM_001267550.2(TTN):c.99853_99854insGGGAAATACAAATTCCAGCTCAGCAATGTTTTTGGAACAGTTGATGCCATCCTTGATG (p.Val33285delinsGlyGluIleGlnIleProAlaGlnGlnCysPheTrpAsnSerTer)

Genes: TTN-AS1 (TTN antisense RNA 1; plus strand), TTN (titin; minus strand), LOC126806420 (BRD4-independent group 4 enhancer GRCh37_chr2:179401104-179402303; plus strand). Cytogenetic location: 2q31.2.
Variant type: Insertion.
Coding change: c.99853_99854insGGGAAATACAAATTCCAGCTCAGCAATGTTTTTGGAACAGTTGATGCCATCCTTGATG on transcript NM_001267550.2 (MANE Select); coding-DNA positions 99853 to 99854, GGGAAATACAAATTCCAGCTCAGCAATGTTTTTGGAACAGTTGATGCCATCCTTGATG inserted.
Protein change: p.Val33285delinsGlyGluIleGlnIleProAlaGlnGlnCysPheTrpAsnSerTer.
Molecular consequence: nonsense.
Genome position: GRCh38: chr2:178,537,398-178,537,399. GRCh37 (hg19): chr2:179,402,125-179,402,126.
Other names: c.94930_94931insGGGAAATACAAATTCCAGCTCAGCAATGTTTTTGGAACAGTTGATGCCATCCTTGATG, p.Val31644delinsGlyGluIleGlnIleProAlaGlnGlnCysPheTrpAsnSerTer (NM_001256850.1); c.72658_72659insGGGAAATACAAATTCCAGCTCAGCAATGTTTTTGGAACAGTTGATGCCATCCTTGATG, p.Val24220delinsGlyGluIleGlnIleProAlaGlnGlnCysPheTrpAsnSerTer (NM_003319.4); c.92149_92150insGGGAAATACAAATTCCAGCTCAGCAATGTTTTTGGAACAGTTGATGCCATCCTTGATG, p.Val30717delinsGlyGluIleGlnIleProAlaGlnGlnCysPheTrpAsnSerTer (NM_133378.4); c.73033_73034insGGGAAATACAAATTCCAGCTCAGCAATGTTTTTGGAACAGTTGATGCCATCCTTGATG, p.Val24345delinsGlyGluIleGlnIleProAlaGlnGlnCysPheTrpAsnSerTer (NM_133432.3); c.73234_73235insGGGAAATACAAATTCCAGCTCAGCAATGTTTTTGGAACAGTTGATGCCATCCTTGATG, p.Val24412delinsGlyGluIleGlnIleProAlaGlnGlnCysPheTrpAsnSerTer (NM_133437.4).
Identifiers: ClinVar variation 2115477 (VCV002115477.4), dbSNP rs2468668971, ClinGen allele CA2580064608.